The following is an entry in ClinVar:

NM_006709.5(EHMT2):c.2961C>T (p.Cys987=)

Genes: EHMT2 (euchromatic histone lysine methyltransferase 2; minus strand), EHMT2-AS1 (EHMT2 and SLC44A4 antisense RNA 1; plus strand). Cytogenetic location: 6p21.33.
Variant type: single nucleotide variant.
Coding change: c.2961C>T on transcript NM_006709.5 (MANE Select); coding-DNA position 2961, C replaced by T.
Protein change: p.Cys987=; no amino-acid change (cysteine 987 retained).
Molecular consequence: synonymous variant. On other transcripts: non-coding transcript variant (1), intron variant (1).
Genome position (GRCh38, 1-based): chr6:31,883,395, G>A on the plus strand (C>T on the coding strand, the complement: EHMT2 is on the minus strand). VCF-style: chr6-31883395-G-A. GRCh37 (hg19) VCF-style: chr6-31851172-G-A.
Other names: c.3030C>T, p.Cys1010= (NM_001289413.2); c.2355C>T, p.Cys785= (NM_001318833.2); c.3132C>T, p.Cys1044= (NM_001363689.2); c.2982C>T, p.Cys994= (NM_001395160.1); c.2898C>T, p.Cys966= (NM_001395161.1); c.2880C>T, p.Cys960= (NM_001395163.1); c.2856C>T, p.Cys952= (NM_001395164.1); c.2703C>T, p.Cys901= (NM_001395165.1); and 2 more.
Identifiers: ClinVar variation 2656431 (VCV002656431.24), dbSNP rs148424397, ClinGen allele CA3726068.
Genomic context (GRCh38, chr6:31,883,395, plus strand): 5'-TCTGTGGCCAAGGCAAGGGGCACGCACCTTGTCATACCAGCACCGGATGCTGAGCTGGCC[G>A]CACAGGCAGTTGGAGCTAGAGCAGTCGTCCACACACGTGCAGTGCTGGGGCGAGGAGGCA-3'
Protein context (NP_006700.3, residues 977-997): VDDCSSSNCL[Cys987=]GQLSIRCWYD

ClinVar aggregate classification (germline): Likely benign (1 of 4 stars; one submission).

Allele frequency attached by ClinVar (database versions not stated): TOPMed 0.00084; ExAC 0.00093; ESP Exome Variant Server 0.00095; 1000 Genomes Project 0.00120; gnomAD exomes 0.00126; gnomAD 0.00127; 1000 Genomes Project 30x 0.00141.
gnomAD v4.1: 1,999 of 1,612,886 alleles (0.12%); highest among the groups gnomAD compares: Non-Finnish European, 0.15%; 13 homozygotes.

Submission:

CeGaT Center for Human Genetics Tuebingen
Classification: Likely benign. Last evaluated: 2022-03-01. Review status: criteria provided, single submitter. Criteria: CeGaT Center For Human Genetics Tuebingen Variant Classification Criteria Version 2. Collection method: clinical testing. Allele origin: germline. Affected: yes. Observed: 1 variant allele.
Comment: EHMT2: BP4, BP7